The following is an entry in ClinVar:

NM_001195248.2(APTX):c.343A>G (p.Arg115Gly)

Gene: APTX (aprataxin; minus strand). Cytogenetic location: 9p21.1.
Variant type: single nucleotide variant.
Coding change: c.343A>G on transcript NM_001195248.2 (MANE Select); coding-DNA position 343, A replaced by G.
Protein change: p.Arg115Gly; replaces arginine 115 with glycine.
Molecular consequence: missense variant. On other transcripts: non-coding transcript variant (13), intron variant (1).
Genome position (GRCh38, 1-based): chr9:32,987,684, T>C on the plus strand (A>G on the coding strand, the complement: APTX is on the minus strand). VCF-style: chr9-32987684-T-C. GRCh37 (hg19) VCF-style: chr9-32987682-T-C.
Other names: c.343A>G, p.Arg115Gly (NM_001195249.2, NM_001195251.2, NM_001368995.1 and 6 more transcripts); c.181A>G, p.Arg61Gly (NM_001195250.2, NM_001195254.2, NM_001369000.1 and 1 more transcripts); c.79A>G, p.Arg27Gly (NM_001369002.1, NM_001369003.1, NM_001369004.1 and 5 more transcripts); c.267+76A>G (NM_001195252.2); short protein forms R115G, R27G, R61G.
Identifiers: ClinVar variation 1475371 (VCV001475371.7), dbSNP rs770357188, ClinGen allele CA5022533.
Genomic context (GRCh38, chr9:32,987,684, plus strand): 5'-CAGCCTCAGCTTCCTGAGCAGCATCCCTTTCTATAGAATCACTGTTGCCTGATCTCTTTC[T>C]CTTCCTGTGTGTTTCCAGGCCAGGGTTCTTTGCCTCTTCCTCAAACTCTACAATATATGG-3'
Protein context (NP_001182177.2, residues 105-125): KNPGLETHRK[Arg115Gly]KRSGNSDSIE

ClinVar aggregate classification (germline): Uncertain significance (1 of 4 stars; one submission).

Allele frequency attached by ClinVar (database versions not stated): gnomAD exomes below 0.00001 and 0.00001; TOPMed below 0.00001; ExAC 0.00001; gnomAD 0.00001.
gnomAD v4.1: 4 of 1,614,100 alleles (0.00025%); highest among the groups gnomAD compares: Admixed American, 0.0017%; no homozygotes.

Submission:

Labcorp Genetics (formerly Invitae), Labcorp
Classification: Uncertain significance. Last evaluated: 2021-02-14. Review status: criteria provided, single submitter. Criteria: Invitae Variant Classification Sherloc (09022015). Collection method: clinical testing. Allele origin: germline.
Comment: This sequence change replaces arginine with glycine at codon 115 of the APTX protein (p.Arg115Gly). The arginine residue is moderately conserved and there is a moderate physicochemical difference between arginine and glycine. This variant is present in population databases (rs770357188, ExAC 0.001%). This variant has not been reported in the literature in individuals with APTX-related conditions. Algorithms developed to predict the effect of missense changes on protein structure and function (SIFT, PolyPhen-2, Align-GVGD) all suggest that this variant is likely to be tolerated, but these predictions have not been confirmed by published functional studies and their clinical significance is uncertain. In summary, the available evidence is currently insufficient to determine the role of this variant in disease. Therefore, it has been classified as a Variant of Uncertain Significance.